The following is an entry in ClinVar:

ClinVar aggregate classification (germline): Uncertain significance (1 of 4 stars; one submission).

Conditions:
Inborn genetic diseases. Identifiers: MedGen C0950123, MeSH D030342.

gnomAD v4.1: 4 of 1,613,908 alleles (0.00025%); highest among the groups gnomAD compares: Non-Finnish European, 0.00025%; no homozygotes.

Submission:

Ambry Genetics
Classification: Uncertain significance for Inborn genetic diseases. Last evaluated: 2025-05-03. Review status: criteria provided, single submitter. Criteria: Ambry Variant Classification Scheme 2023. Collection method: clinical testing. Allele origin: germline.
Comment: The p.K483N variant (also known as c.1449G>T), located in coding exon 1 of the SAMD9L gene, results from a G to T substitution at nucleotide position 1449. The lysine at codon 483 is replaced by asparagine, an amino acid with similar properties. This amino acid position is conserved. In addition, this alteration is predicted to be tolerated by in silico analysis. Based on the available evidence, the clinical significance of this variant remains unclear.

NM_152703.5(SAMD9L):c.1449G>T (p.Lys483Asn)

Gene: SAMD9L (sterile alpha motif domain containing 9 like; minus strand). Cytogenetic location: 7q21.2.
Variant type: single nucleotide variant.
Coding change: c.1449G>T on transcript NM_152703.5 (MANE Select); coding-DNA position 1449, G replaced by T.
Protein change: p.Lys483Asn; replaces lysine 483 with asparagine.
Molecular consequence: missense variant.
Genome position (GRCh38, 1-based): chr7:93,134,523, C>A on the plus strand (G>T on the coding strand, the complement: SAMD9L is on the minus strand). VCF-style: chr7-93134523-C-A. GRCh37 (hg19) VCF-style: chr7-92763836-C-A.
Other names: c.1449G>T, p.Lys483Asn (NM_001303496.3, NM_001303497.3, NM_001303498.3 and 5 more transcripts); short protein forms K483N.
Identifiers: ClinVar variation 3949898 (VCV003949898.1).